The following is an entry in ClinVar:

ClinVar aggregate classification (germline): Uncertain significance (1 of 4 stars; one submission).

Conditions:
Retinoblastoma (RB1). Also called: RETINOBLASTOMA, SOMATIC. Identifiers: Orphanet 790, MedGen C0035335, MeSH D012175, MONDO:0008380, OMIM 180200, HP:0009919. Disease mechanism: loss of function. Inheritance: Both sporadic and heritable forms are tested..

Submission:

Labcorp Genetics (formerly Invitae), Labcorp
Classification: Uncertain significance for Retinoblastoma. Last evaluated: 2025-05-07. Review status: criteria provided, single submitter. Criteria: Invitae Variant Classification Sherloc (09022015). Collection method: clinical testing. Allele origin: germline.
Comment: This variant occurs in a non-coding region of the RB1 gene. It does not change the encoded amino acid sequence of the RB1 protein. This variant is not present in population databases (gnomAD no frequency). This variant has not been reported in the literature in individuals affected with RB1-related conditions. Experimental studies and prediction algorithms are not available or were not evaluated, and the functional significance of this variant is currently unknown. In summary, the available evidence is currently insufficient to determine the role of this variant in disease. Therefore, it has been classified as a Variant of Uncertain Significance.

NC_000013.11:g.48303722A>G

Gene: RB1 (RB transcriptional corepressor 1; plus strand). Cytogenetic location: 13q14.2.
Variant type: single nucleotide variant.
Genome position: GRCh38 VCF-style: chr13-48303722-A-G. GRCh37 (hg19) VCF-style: chr13-48877858-A-G.
Identifiers: ClinVar variation 3607755 (VCV003607755.2).